The following is an entry in ClinVar:

NM_000051.4(ATM):c.1844T>G (p.Leu615Arg)

Gene: ATM (ATM serine/threonine kinase; plus strand). Cytogenetic location: 11q22.3.
Variant type: single nucleotide variant.
Coding change: c.1844T>G on transcript NM_000051.4 (MANE Select); coding-DNA position 1844, T replaced by G.
Protein change: p.Leu615Arg; replaces leucine 615 with arginine.
Molecular consequence: missense variant.
Genome position (GRCh38, 1-based): chr11:108,252,858, T>G. VCF-style: chr11-108252858-T-G. GRCh37 (hg19) VCF-style: chr11-108123585-T-G.
Other names: c.1844T>G, p.Leu615Arg (NM_001351834.2); short protein forms L615R.
Identifiers: ClinVar variation 3232215 (VCV003232215.1), dbSNP rs786203783, ClinGen allele CA382535846.
Genomic context (GRCh38, chr11:108,252,858, plus strand): 5'-TTTTTGTTTTTCTTTGTAGTAATTTTCCTCATCTTGTACTGGAGAAAATTCTTGTGAGTC[T>G]CACTATGAAAAACTGTAAAGCTGCAATGAATTTTTTCCAAAGCGTGCCAGAATGGTATGT-3'
Protein context (NP_000042.3, residues 605-625): HLVLEKILVS[Leu615Arg]TMKNCKAAMN

ClinVar aggregate classification (germline): Uncertain significance (1 of 4 stars; one submission).

Conditions:
Hereditary cancer-predisposing syndrome. Also called: Neoplastic Syndromes, Hereditary; Tumor predisposition; Hereditary neoplastic syndrome; Hereditary Cancer Syndrome. Identifiers: Orphanet 140162, MedGen C0027672, MeSH D009386, MONDO:0015356.

Submission:

Ambry Genetics
Classification: Uncertain significance for Hereditary cancer-predisposing syndrome. Last evaluated: 2024-01-25. Review status: criteria provided, single submitter. Criteria: Ambry Variant Classification Scheme 2023. Collection method: clinical testing. Allele origin: germline.
Comment: The p.L615R variant (also known as c.1844T>G), located in coding exon 11 of the ATM gene, results from a T to G substitution at nucleotide position 1844. The leucine at codon 615 is replaced by arginine, an amino acid with dissimilar properties. This amino acid position is highly conserved in available vertebrate species. In addition, this alteration is predicted to be deleterious by in silico analysis. Based on the available evidence, the clinical significance of this alteration remains unclear.